The following is an entry in ClinVar:

ClinVar aggregate classification (germline): Uncertain significance (1 of 4 stars; one submission).

Conditions:
Gorlin syndrome. Also called: Nevoid Basal Cell Carcinoma Syndrome; Basal cell nevus syndrome. Identifiers: Orphanet 377, MedGen C0004779, MONDO:0007187.

Submission:

Labcorp Genetics (formerly Invitae), Labcorp
Classification: Uncertain significance for Gorlin syndrome. Last evaluated: 2026-01-08. Review status: criteria provided, single submitter. Criteria: Invitae Variant Classification Sherloc (09022015). Collection method: clinical testing. Allele origin: germline.
Comment: This sequence change replaces alanine, which is neutral and non-polar, with threonine, which is neutral and polar, at codon 712 of the PTCH2 protein (p.Ala712Thr). This variant is not present in population databases (gnomAD no frequency). This variant has not been reported in the literature in individuals affected with PTCH2-related conditions. Invitae Evidence Modeling of protein sequence and biophysical properties (such as structural, functional, and spatial information, amino acid conservation, physicochemical variation, residue mobility, and thermodynamic stability) indicates that this missense variant is not expected to disrupt PTCH2 protein function with a negative predictive value of 80%. In summary, the available evidence is currently insufficient to determine the role of this variant in disease. Therefore, it has been classified as a Variant of Uncertain Significance.

NM_003738.5(PTCH2):c.2134G>A (p.Ala712Thr)

Gene: PTCH2 (patched 2; minus strand). Cytogenetic location: 1p34.1.
Variant type: single nucleotide variant.
Coding change: c.2134G>A on transcript NM_003738.5 (MANE Select); coding-DNA position 2134, G replaced by A.
Protein change: p.Ala712Thr; replaces alanine 712 with threonine.
Molecular consequence: missense variant.
Genome position (GRCh38, 1-based): chr1:44,827,639, C>T on the plus strand (G>A on the coding strand, the complement: PTCH2 is on the minus strand). VCF-style: chr1-44827639-C-T. GRCh37 (hg19) VCF-style: chr1-45293311-C-T.
Other names: c.2134G>A, p.Ala712Thr (NM_001166292.2); short protein forms A712T.
Identifiers: ClinVar variation 4741166 (VCV004741166.1).